The following is an entry in ClinVar:

NM_000492.3(CFTR):c.-518G>T

Genes: CFTR (CF transmembrane conductance regulator; plus strand), LOC111674463 (CFTR promoter region; plus strand). Cytogenetic location: 7q31.2.
Variant type: single nucleotide variant.
Coding change: c.-518G>T on transcript NM_000492.3; 518 bases upstream of the start codon, G replaced by T.
Genome position (GRCh38, 1-based): chr7:117,479,577, G>T. VCF-style: chr7-117479577-G-T. GRCh37 (hg19) VCF-style: chr7-117119631-G-T.
Identifiers: ClinVar variation 3076096 (VCV003076096.1), dbSNP rs2484926462, ClinGen allele CA2684616524.
Genomic context (GRCh38, chr7:117,479,577, plus strand): 5'-GAAGCTGGTGGCAGCGGGTCCTGGGTCTGGCGGACCCTGACGCGAAGGAGGGTCTAGGAA[G>T]CTCTCCGGGGAGCCGGTTCTCCCGCCGGTGGCTTCTTCTGTCCTCCAGCGTTGCCAACTG-3'

ClinVar aggregate classification (germline): Uncertain significance (1 of 4 stars; one submission).

Conditions:
Cystic fibrosis (CF). Also called: MUCOVISCIDOSIS. Identifiers: Orphanet 586, MedGen C0010674, MONDO:0009061, OMIM 219700. Disease mechanism: loss of function.

Submission:

Ambry Genetics
Classification: Uncertain significance for Cystic fibrosis. Last evaluated: 2015-01-19. Review status: criteria provided, single submitter. Criteria: Ambry Variant Classification Scheme 2023. Collection method: clinical testing. Allele origin: germline.
Comment: The c.-518G>T alteration is located in the 5' untranslated region (5'UTR) of the CFTR gene. This alteration consists of a G to T substitution nucleotides upstream from the first translated codon. Based on insufficient or conflicting evidence, the clinical significance of this alteration remains unclear.